The following is an entry in ClinVar:

ClinVar aggregate classification (germline): Pathogenic. Review status: no assertion criteria provided (0 of 4 stars). 2 submissions from 2 submitters: Pathogenic (2). Last evaluated 2012-05-10.

Conditions:
Mucolipidosis type II. Also called: Mucolipidosis II Alpha/Beta; ML II ALPHA/BETA; Mucolipidosis 2; ML 2; Inclusion cell disease; Leroy Disease. Identifiers: Orphanet 576, MedGen C2673377, MONDO:0009650, OMIM 252500.

Submissions (2):

GeneReviews
Classification: Pathogenic for Mucolipidosis III Alpha/Beta. Last evaluated: 2012-05-10. Review status: no assertion criteria provided. Collection method: curation. Allele origin: unknown.
ClinVar note: Converted during submission from pathologic to Pathogenic.

OMIM
Classification: Pathogenic for MUCOLIPIDOSIS II ALPHA/BETA. Last evaluated: 2005-10-01. Review status: no assertion criteria provided. Collection method: literature only. Allele origin: germline.

Literature cited by the submitters: PubMed 16200072 (cited by OMIM).

NM_024312.5(GNPTAB):c.1625_1626insC (p.Glu542fs)

Gene: GNPTAB (N-acetylglucosamine-1-phosphate transferase subunits alpha and beta; minus strand). Cytogenetic location: 12q23.2.
Variant type: Insertion.
Coding change: c.1625_1626insC on transcript NM_024312.5 (MANE Select); coding-DNA positions 1625 to 1626, C inserted.
Protein change: p.Glu542fs; shifts the reading frame from glutamic acid 542.
Molecular consequence: frameshift variant.
Genome position: GRCh38 VCF-style: chr12-101765291-T-TG. GRCh37 (hg19) VCF-style: chr12-102159069-T-TG.
Other names: AY687932:c.1625_1626insC; short protein forms E542fs.
Identifiers: ClinVar variation 2770 (VCV000002770.3), dbSNP rs281865027, ClinGen allele CA340016.